The following is an entry in ClinVar:

ClinVar aggregate classification (germline): Uncertain significance (1 of 4 stars; one submission).

Conditions:
CABP2-related disorder. Also called: CABP2-related condition.

Submission:

PreventionGenetics, part of Exact Sciences
Classification: Uncertain significance for CABP2-related condition. Last evaluated: 2026-04-01. Review status: criteria provided, single submitter. Criteria: ACMG Guidelines, 2015. Collection method: clinical testing. Allele origin: germline.
Comment: The CABP2 c.589A>G variant is predicted to result in the amino acid substitution p.Ile197Val. To our knowledge, this variant has not been reported in the literature. This variant is reported in 0.0015% of alleles in individuals of European (Non-Finnish) descent in gnomAD. An alternative variant at this amino acid position (p.Ile197Thr) has been reported in the homozygous state in three individuals (including one sibling pair) with non-syndromic hearing loss (Table S1, Peart et al. 2023. PubMed ID: 37996878; Nawaz et al. 2024. PubMed ID: 38192829). Although we suspect that this variant may be pathogenic, at this time, the clinical significance of this variant is uncertain due to the absence of conclusive functional and genetic evidence.

NM_016366.3(CABP2):c.589A>G (p.Ile197Val)

Gene: CABP2 (calcium binding protein 2; minus strand). Cytogenetic location: 11q13.2.
Variant type: single nucleotide variant.
Coding change: c.589A>G on transcript NM_016366.3 (MANE Select); coding-DNA position 589, A replaced by G.
Protein change: p.Ile197Val; replaces isoleucine 197 with valine.
Molecular consequence: missense variant.
Genome position (GRCh38, 1-based): chr11:67,519,841, T>C on the plus strand (A>G on the coding strand, the complement: CABP2 is on the minus strand). VCF-style: chr11-67519841-T-C. GRCh37 (hg19) VCF-style: chr11-67287312-T-C.
Other names: c.607A>G, p.Ile203Val (NM_001318496.2); short protein forms I203V, I197V.
Identifiers: ClinVar variation 4978262 (VCV004978262.1).